The following is an entry in ClinVar:

NM_152281.3(GORAB):c.679_680insATCTTTATACACATCCTTACAGGAAGCGGTA (p.Ala227fs)

Gene: GORAB (golgin, RAB6 interacting; plus strand). Cytogenetic location: 1q24.2.
Variant type: Insertion.
Coding change: c.679_680insATCTTTATACACATCCTTACAGGAAGCGGTA on transcript NM_152281.3 (MANE Select); coding-DNA positions 679 to 680, ATCTTTATACACATCCTTACAGGAAGCGGTA inserted.
Protein change: p.Ala227fs; shifts the reading frame from alanine 227.
Molecular consequence: frameshift variant. On other transcripts: non-coding transcript variant (1).
Genome position: GRCh38: chr1:170,552,031-170,552,032. GRCh37 (hg19): chr1:170,521,172-170,521,173.
Other names: c.214_215insATCTTTATACACATCCTTACAGGAAGCGGTA, p.Ala72fs (NM_001320252.2); c.628_629insATCTTTATACACATCCTTACAGGAAGCGGTA, p.Ala210fs (NM_001410894.1); short protein forms A72fs, A227fs, A210fs.
Identifiers: ClinVar variation 3649613 (VCV003649613.2).

ClinVar aggregate classification (germline): Pathogenic (1 of 4 stars; one submission).

Submission:

Labcorp Genetics (formerly Invitae), Labcorp
Classification: Pathogenic. Last evaluated: 2024-04-11. Review status: criteria provided, single submitter. Criteria: Invitae Variant Classification Sherloc (09022015). Collection method: clinical testing. Allele origin: germline.
Comment: This sequence change creates a premature translational stop signal (p.Ala252Aspfs*12) in the GORAB gene. While this is not anticipated to result in nonsense mediated decay, it is expected to disrupt the last 143 amino acid(s) of the GORAB protein. This variant is not present in population databases (gnomAD no frequency). This variant has not been reported in the literature in individuals affected with GORAB-related conditions. This variant disrupts a region of the GORAB protein in which other variant(s) (p.Arg287*) have been determined to be pathogenic (PMID: 18997784, 31829210). This suggests that this is a clinically significant region of the protein, and that variants that disrupt it are likely to be disease-causing. For these reasons, this variant has been classified as Pathogenic.

Literature cited by the submitters: PubMed 18997784; PubMed 31829210.